The following is an entry in ClinVar:

NM_015087.5(SPART):c.1837G>A (p.Val613Met)

Gene: SPART (spartin; minus strand). Cytogenetic location: 13q13.3.
Variant type: single nucleotide variant.
Coding change: c.1837G>A on transcript NM_015087.5 (MANE Select); coding-DNA position 1837, G replaced by A.
Protein change: p.Val613Met; replaces valine 613 with methionine.
Molecular consequence: missense variant.
Genome position (GRCh38, 1-based): chr13:36,304,529, C>T on the plus strand (G>A on the coding strand, the complement: SPART is on the minus strand). VCF-style: chr13-36304529-C-T. GRCh37 (hg19) VCF-style: chr13-36878666-C-T.
Other names: c.1837G>A, p.Val613Met (NM_001142294.2, NM_001142295.2, NM_001142296.2); short protein forms V613M.
Identifiers: ClinVar variation 461205 (VCV000461205.8), dbSNP rs574448043, ClinGen allele CA6949268.

ClinVar aggregate classification (germline): Uncertain significance. Review status: criteria provided, multiple submitters, no conflicts (2 of 4 stars). 2 submissions from 2 submitters: Uncertain significance (2). Last evaluated 2023-03-01.

Conditions:
Inborn genetic diseases. Identifiers: MedGen C0950123, MeSH D030342.

Allele frequency attached by ClinVar (database versions not stated): TOPMed 0.00002; 1000 Genomes Project 30x 0.00016; 1000 Genomes Project 0.00020.
gnomAD v4.1: 27 of 1,614,128 alleles (0.0017%); highest among the groups gnomAD compares: East Asian, 0.06%; no homozygotes.

Submissions (2):

Ambry Genetics
Classification: Uncertain significance for Inborn genetic diseases. Last evaluated: 2023-03-01. Review status: criteria provided, single submitter. Criteria: Ambry Variant Classification Scheme 2023. Collection method: clinical testing. Allele origin: germline.

Labcorp Genetics (formerly Invitae), Labcorp
Classification: Uncertain significance. Last evaluated: 2021-08-24. Review status: criteria provided, single submitter. Criteria: Invitae Variant Classification Sherloc (09022015). Collection method: clinical testing. Allele origin: germline.
Comment: This sequence change replaces valine with methionine at codon 613 of the SPART protein (p.Val613Met). The valine residue is moderately conserved and there is a small physicochemical difference between valine and methionine. This variant is present in population databases (rs574448043, ExAC 0.07%). This variant has not been reported in the literature in individuals affected with SPART-related conditions. Algorithms developed to predict the effect of missense changes on protein structure and function are either unavailable or do not agree on the potential impact of this missense change (SIFT: "Tolerated"; PolyPhen-2: "Possibly Damaging"; Align-GVGD: "Class C0"). In summary, the available evidence is currently insufficient to determine the role of this variant in disease. Therefore, it has been classified as a Variant of Uncertain Significance.